The following is an entry in ClinVar:

ClinVar aggregate classification (germline): Uncertain significance (1 of 4 stars; one submission).

Submission:

Labcorp Genetics (formerly Invitae), Labcorp
Classification: Uncertain significance. Last evaluated: 2021-10-11. Review status: criteria provided, single submitter. Criteria: Invitae Variant Classification Sherloc (09022015). Collection method: clinical testing. Allele origin: germline.
Comment: In summary, the available evidence is currently insufficient to determine the role of this variant in disease. Therefore, it has been classified as a Variant of Uncertain Significance. Experimental studies and prediction algorithms are not available or were not evaluated, and the functional significance of this variant is currently unknown. This variant has not been reported in the literature in individuals affected with MPDZ-related conditions. This variant results in a copy number gain of the genomic region encompassing exon(s) 4-46 of the MPDZ gene. This region includes the termination codon of the gene. This copy number gain extends beyond the assayed region for this gene and therefore may encompass additional genes. As the precise location of this event is unknown, it may be in tandem or it may be located elsewhere in the genome.

NC_000009.11:g.(?_12693997)_(13224602_?)dup

Genes: LURAP1L (leucine rich adaptor protein 1 like; plus strand), MPDZ (multiple PDZ domain crumbs cell polarity complex component; minus strand), TYRP1 (tyrosinase related protein 1; plus strand). Cytogenetic location: 9p23.
Variant type: Duplication.
Identifiers: ClinVar variation 2424774 (VCV002424774.4).